The following is an entry in ClinVar:

NM_001170629.2(CHD8):c.4541G>A (p.Gly1514Asp)

Gene: CHD8 (chromodomain helicase DNA binding protein 8; minus strand). Cytogenetic location: 14q11.2.
Variant type: single nucleotide variant.
Coding change: c.4541G>A on transcript NM_001170629.2 (MANE Select); coding-DNA position 4541, G replaced by A.
Protein change: p.Gly1514Asp; replaces glycine 1514 with aspartic acid.
Molecular consequence: missense variant.
Genome position (GRCh38, 1-based): chr14:21,400,442, C>T on the plus strand (G>A on the coding strand, the complement: CHD8 is on the minus strand). VCF-style: chr14-21400442-C-T. GRCh37 (hg19) VCF-style: chr14-21868601-C-T.
Other names: c.3704G>A, p.Gly1235Asp (NM_020920.4); short protein forms G1235D, G1514D.
Identifiers: ClinVar variation 3362080 (VCV003362080.2).

ClinVar aggregate classification (germline): Uncertain significance (1 of 4 stars; one submission).

gnomAD v4.1: 1 of 1,600,564 alleles (0.000062%); highest among the groups gnomAD compares: Non-Finnish European, 0.000085%; no homozygotes.

Submission:

GeneDx
Classification: Uncertain significance. Last evaluated: 2025-02-10. Review status: criteria provided, single submitter. Criteria: GeneDx Variant Classification Process June 2021. Collection method: clinical testing. Allele origin: germline.
Comment: Not observed at significant frequency in large population cohorts (gnomAD); In silico analysis supports that this missense variant has a deleterious effect on protein structure/function; Has not been previously published as pathogenic or benign to our knowledge